The following continues an entry in ClinVar:

NM_002693.3(POLG):c.3550G>A (p.Asp1184Asn)

Gene: POLG. ClinVar aggregate classification (germline): Pathogenic. Pathogenic (1).

Submissions 9 to 12 of 12:

Ambry Genetics
Classification: Likely pathogenic for Inborn genetic diseases. Last evaluated: 2021-05-27. Review status: criteria provided, single submitter. Criteria: Ambry Variant Classification Scheme 2023. Collection method: clinical testing. Allele origin: germline. Not counted in ClinVar's aggregate classification.
Comment: The c.3550G>A (p.D1184N) alteration is located in exon 22 (coding exon 21) of the POLG gene. This alteration results from a G to A substitution at nucleotide position 3550, causing the aspartic acid (D) at amino acid position 1184 to be replaced by an asparagine (N). Based on data from the Genome Aggregation Database (gnomAD) database, the POLG c.3550G>A alteration was observed in 0.001% (3/282,882) of total alleles studied, with a frequency of 0.003% (1/35,440) in the Latino subpopulation. This alteration has been previously reported in multiple patients with autosomal recessive POLG-related mitochondrial disorders, including progressive external ophthalmoplegia (arPEO) (Gonzalez-Vioque, 2006; de Vries, 2007; Blok, 2009; Li, 2019). This amino acid position is highly conserved in available vertebrate species. Functional studies using yeast mtDNA point mutagenesis with p.D1184N (yeast ortholog D941N) showed an increased petite colony formation frequency and exhibited decreased mtDNA copy number, suggesting that mtDNA depletion is a major phenotype of this disease-associated mutant (Stumpf, 2010). The in silico prediction for the p.D1184N alteration is inconclusive. Based on the available evidence, this alteration is classified as likely pathogenic.

GeneDx
Classification: Pathogenic. Last evaluated: 2018-10-31. Review status: criteria provided, single submitter. Criteria: GeneDx Variant Classification (06012015). Collection method: clinical testing. Allele origin: germline. Affected: yes. Not counted in ClinVar's aggregate classification.
Comment: The D1184N variant in the POLG gene has been reported previously in multiple unrelated individuals with POLG-related disorders who had a second POLG variant identified (de Vries et al., 2007; Amiot et al., 2009; Blok et al., 2009). Functional studies show that D1184N results in mtDNA depletion as well as increased petite colony formation, suggesting it may be a null variant (Stumpf et al., 2010). The D1184N variant is not observed in large population cohorts (Lek et al., 2016; 1000 Genomes Consortium et al., 2015; Exome Variant Server). The D1184N variant is a semi-conservative amino acid substitution, which may impact secondary protein structure as these residues differ in some properties. This substitution occurs at a position that is conserved across species, and a different missense variant in the same residue (D1184H) as well as missense variants in nearby residues (I1185T, I1185N, D1186H, C1188R) have been reported in the Human Gene Mutation Database in association with POLG-related disorders (Stenson et al., 2014), supporting the functional importance of this region of the protein. Therefore, D1184N is considered a pathogenic variant.

PreventionGenetics, part of Exact Sciences
Classification: Pathogenic for POLG-related condition. Last evaluated: 2024-07-18. Review status: no assertion criteria provided. Collection method: clinical testing. Allele origin: germline. Not counted in ClinVar's aggregate classification.
Comment: The POLG c.3550G>A variant is predicted to result in the amino acid substitution p.Asp1184Asn. This variant was reported in the compound heterozygous state in individuals with autosomal recessive progressive external ophthalmoplegia (Blok et al. 2009. PubMed ID: 19578034; Gonzalez-Vioque et al. 2006. PubMed ID: 16401742; Li et al. 2019. PubMed ID: 30678510). This variant affects a highly conserved residue in the polymerase domain in mitochondrial polymerase gamma. In addition, another variant affecting the asparagine 1184 residue has also been reported to cause autosomal recessive PEO when present in trans with a second pathogenic variant (Martikainen et al. 2010. PubMed ID: 22778364). Heterozygous carriers of the POLG c.3550G>A variant have been reported to be asymptomatic (Blok et al. 2009. PubMed ID: 19578034; Li et al. 2019. PubMed ID: 30678510). This variant is reported in 0.0028% of alleles in individuals of Latino descent in gnomAD. Taken together, this variant is interpreted as pathogenic.

Mitochondrial Research Group, Newcastle University
Classification: Pathogenic for Mitochondrial disease. Last evaluated: 2017-04-07. Review status: no assertion criteria provided. Collection method: clinical testing. Allele origin: germline. Affected: yes. Observed: 1 variant allele. Not counted in ClinVar's aggregate classification.

Literature cited by the submitters: PubMed 32234506 (cited by Variantyx, Inc.); PubMed 20185557 (cited by 3 submitters); PubMed 16957900 (cited by 3 submitters); PubMed 19344718 (cited by Variantyx, Inc.); PubMed 19578034 (cited by 3 submitters); PubMed 28471437 (cited by Variantyx, Inc.); PubMed 16401742 (cited by 3 submitters); PubMed 30678510 (cited by 3 submitters); PubMed 17452231 (cited by Variantyx, Inc.); PubMed 28812649 (cited by Variantyx, Inc. and Mitochondrial Research Group, Newcastle University).